The following is an entry in ClinVar:

ClinVar aggregate classification (germline): Pathogenic (1 of 4 stars; one submission).

Conditions:
RYR1-related disorder. Also called: RYR1-related condition; RYR1-related disorders. Identifiers: MedGen CN239331.

Allele frequency attached by ClinVar (database versions not stated): gnomAD exomes below 0.00001; ExAC 0.00001; gnomAD 0.00001; 1000 Genomes Project 30x 0.00016.

Submission:

Labcorp Genetics (formerly Invitae), Labcorp
Classification: Pathogenic for RYR1-related disorder. Last evaluated: 2023-04-06. Review status: criteria provided, single submitter. Criteria: Invitae Variant Classification Sherloc (09022015). Collection method: clinical testing. Allele origin: germline.
Comment: This sequence change creates a premature translational stop signal (p.Tyr3540*) in the RYR1 gene. It is expected to result in an absent or disrupted protein product. Loss-of-function variants in RYR1 are known to be pathogenic (PMID: 23919265, 25960145, 28818389, 30611313). This variant is present in population databases (rs780578391, gnomAD 0.003%). This variant has not been reported in the literature in individuals affected with RYR1-related conditions. ClinVar contains an entry for this variant (Variation ID: 1069457). For these reasons, this variant has been classified as Pathogenic.

Literature cited by the submitters: PubMed 23919265; PubMed 25960145; PubMed 28818389; PubMed 30611313.

NM_000540.3(RYR1):c.10619dup (p.Tyr3540Ter)

Gene: RYR1 (ryanodine receptor 1; plus strand). Cytogenetic location: 19q13.2.
Variant type: Duplication.
Coding change: c.10619dup on transcript NM_000540.3 (MANE Select); coding-DNA position 10619, one base duplicated (A; older notation c.10619dupA).
Protein change: p.Tyr3540Ter; replaces tyrosine 3540 with a stop codon.
Molecular consequence: nonsense.
Genome position (GRCh38, 1-based): chr19:38,525,495, A duplicated. VCF-style (leftmost placement, unchanged base first): chr19-38525494-T-TA. GRCh37 (hg19) VCF-style: chr19-39016134-T-TA.
Other names: c.10604dup, p.Tyr3535Ter (NM_001042723.2); short protein forms Y3535*, Y3540*.
Identifiers: ClinVar variation 1069457 (VCV001069457.7), dbSNP rs780578391, ClinGen allele CA054122.
Genomic context (GRCh38, chr19:38,525,494, plus strand): 5'-ATCGGCCTGAATATGTGTGCGCCCACCGACCAAGACCTCATCACGCTGGCCAAGACCCGT[T>TA]ACGCCCTGGTGCCTGCCCAGCCCCGTCCTCGGAACCTTCCAGGATGCCGCCCAGCACCCA-3'